The following is an entry in ClinVar:

ClinVar aggregate classification (germline): Uncertain significance (1 of 4 stars; one submission).

Conditions:
Intellectual developmental disorder with autism and macrocephaly. Also called: Autism, susceptibility to, 18; CHD8-Related Neurodevelopmental Disorder with Overgrowth. Identifiers: Orphanet 642675, MedGen C3554373, MONDO:0014017, OMIM 615032.

Submission:

Laboratorio de Genetica e Diagnostico Molecular, Hospital Israelita Albert Einstein
Classification: Uncertain significance for Intellectual developmental disorder with autism and macrocephaly. Last evaluated: 2022-03-24. Review status: criteria provided, single submitter. Criteria: ACMG Guidelines, 2015. Collection method: clinical testing. Allele origin: germline. Affected: yes. Observed: 1 variant allele.
Comment: ACMG classification criteria: PM2 moderated, BP4 supporting

NM_001170629.2(CHD8):c.6077T>C (p.Leu2026Pro)

Gene: CHD8 (chromodomain helicase DNA binding protein 8; minus strand). Cytogenetic location: 14q11.2.
Variant type: single nucleotide variant.
Coding change: c.6077T>C on transcript NM_001170629.2 (MANE Select); coding-DNA position 6077, T replaced by C.
Protein change: p.Leu2026Pro; replaces leucine 2026 with proline.
Molecular consequence: missense variant.
Genome position (GRCh38, 1-based): chr14:21,393,718, A>G on the plus strand (T>C on the coding strand, the complement: CHD8 is on the minus strand). VCF-style: chr14-21393718-A-G. GRCh37 (hg19) VCF-style: chr14-21861877-A-G.
Other names: c.5240T>C, p.Leu1747Pro (NM_020920.4); short protein forms L1747P, L2026P.
Identifiers: ClinVar variation 2431438 (VCV002431438.1), dbSNP rs2501856438, ClinGen allele CA388880458.